The following is an entry in ClinVar:

ClinVar aggregate classification (germline): Uncertain significance (1 of 4 stars; one submission).

Allele frequency attached by ClinVar (database versions not stated): TOPMed below 0.00001; gnomAD 0.00001.
gnomAD v4.1: 1 of 1,613,854 alleles (0.000062%); highest among the groups gnomAD compares: Non-Finnish European, 0.000085%; no homozygotes.

Submission:

Labcorp Genetics (formerly Invitae), Labcorp
Classification: Uncertain significance. Last evaluated: 2023-08-08. Review status: criteria provided, single submitter. Criteria: Invitae Variant Classification Sherloc (09022015). Collection method: clinical testing. Allele origin: germline.
Comment: This variant has not been reported in the literature in individuals affected with MYH3-related conditions. Advanced modeling of protein sequence and biophysical properties (such as structural, functional, and spatial information, amino acid conservation, physicochemical variation, residue mobility, and thermodynamic stability) performed at Invitae indicates that this missense variant is not expected to disrupt MYH3 protein function. In summary, the available evidence is currently insufficient to determine the role of this variant in disease. Therefore, it has been classified as a Variant of Uncertain Significance. This variant is not present in population databases (gnomAD no frequency). This sequence change replaces aspartic acid, which is acidic and polar, with tyrosine, which is neutral and polar, at codon 1199 of the MYH3 protein (p.Asp1199Tyr).

NM_002470.4(MYH3):c.3595G>T (p.Asp1199Tyr)

Gene: MYH3 (myosin heavy chain 3; minus strand). Cytogenetic location: 17p13.1.
Variant type: single nucleotide variant.
Coding change: c.3595G>T on transcript NM_002470.4 (MANE Select); coding-DNA position 3595, G replaced by T.
Protein change: p.Asp1199Tyr; replaces aspartic acid 1199 with tyrosine.
Molecular consequence: missense variant.
Genome position (GRCh38, 1-based): chr17:10,638,177, C>A on the plus strand (G>T on the coding strand, the complement: MYH3 is on the minus strand). VCF-style: chr17-10638177-C-A. GRCh37 (hg19) VCF-style: chr17-10541494-C-A.
Other names: short protein forms D1199Y.
Identifiers: ClinVar variation 2751263 (VCV002751263.3), dbSNP rs1389469760, ClinGen allele CA398151194.